The following is an entry in ClinVar:

ClinVar aggregate classification (germline): Uncertain significance. Review status: criteria provided, single submitter (1 of 4 stars). 3 submissions from 3 submitters: Uncertain significance (1). 2 of the submissions do not count toward it. Last evaluated 2019-04-17.

Conditions:
Hereditary cancer-predisposing syndrome. Also called: Tumor predisposition; Hereditary neoplastic syndrome; Neoplastic Syndromes, Hereditary; Hereditary Cancer Syndrome. Identifiers: Orphanet 140162, MedGen C0027672, MeSH D009386, MONDO:0015356.
Hereditary breast ovarian cancer syndrome. Also called: Hereditary breast and ovarian cancer; Breast and ovarian cancer; Hereditary breast and ovarian cancer syndrome (HBOC); Hereditary breast and/or ovarian cancer syndrome; Hereditary breast and ovarian cancer syndrome; BRCA1- and BRCA2-Associated Hereditary Breast and Ovarian Cancer. Identifiers: Orphanet 145, MedGen C0677776, MeSH D061325, MONDO:0003582. Disease mechanism: loss of function.

Submissions (3):

Color Diagnostics, LLC DBA Color Health
Classification: Uncertain significance for Hereditary cancer-predisposing syndrome. Last evaluated: 2019-04-17. Review status: criteria provided, single submitter. Criteria: ACMG Guidelines, 2015. Collection method: clinical testing. Allele origin: germline.

King Laboratory, University of Washington
Classification: Benign. Last evaluated: 2019-09-01. Review status: no assertion criteria provided. Collection method: research. Allele origin: germline. Affected: yes. Not counted in ClinVar's aggregate classification.
Comment: Transcript analysis by cBROCA

Labcorp Genetics (formerly Invitae), Labcorp
Classification: Uncertain significance for BRCA1 and BRCA2 Hereditary Breast and Ovarian Cancer. Last evaluated: 2014-06-11. Review status: no assertion criteria provided. Collection method: clinical testing. Allele origin: germline. Affected: yes. Not counted in ClinVar's aggregate classification.
Comment: The interpretation for this sequence variant was made by Invitae based on the ACMG guidelines.

Literature cited by the submitters: PubMed 31843900 (cited by King Laboratory, University of Washington).

NM_000059.4(BRCA2):c.8510G>T (p.Gly2837Val)

Gene: BRCA2 (BRCA2 DNA repair associated; plus strand). Cytogenetic location: 13q13.1.
Variant type: single nucleotide variant.
Coding change: c.8510G>T on transcript NM_000059.4 (MANE Select); coding-DNA position 8510, G replaced by T.
Protein change: p.Gly2837Val; replaces glycine 2837 with valine.
Molecular consequence: missense variant.
Genome position (GRCh38, 1-based): chr13:32,370,978, G>T. VCF-style: chr13-32370978-G-T. GRCh37 (hg19) VCF-style: chr13-32945115-G-T.
Other names: short protein forms G2837V.
Identifiers: ClinVar variation 135818 (VCV000135818.7), dbSNP rs587780663, ClinGen allele CA025687.